The following is an entry in ClinVar:

ClinVar aggregate classification (germline): Uncertain significance (1 of 4 stars; one submission).

Conditions:
Dyskeratosis congenita, autosomal recessive 6 (DKCB6). Identifiers: MedGen C4225356, MONDO:0014600, OMIM 616353.
Pulmonary fibrosis and/or bone marrow failure, Telomere-related, 4. Also called: PULMONARY FIBROSIS AND/OR BONE MARROW FAILURE SYNDROME, TELOMERE-RELATED, 4. Identifiers: Orphanet 2032, MedGen C4225347, MONDO:0014612, OMIM 616371.

gnomAD v4.1: 2 of 1,613,796 alleles (0.00012%); highest among the groups gnomAD compares: Non-Finnish European, 0.000085%; no homozygotes.

Submission:

Labcorp Genetics (formerly Invitae), Labcorp
Classification: Uncertain significance for Dyskeratosis congenita, autosomal recessive 6; Pulmonary fibrosis and/or bone marrow failure, Telomere-related, 4. Last evaluated: 2021-09-09. Review status: criteria provided, single submitter. Criteria: Invitae Variant Classification Sherloc (09022015). Collection method: clinical testing. Allele origin: germline.
Comment: This sequence change replaces cysteine with arginine at codon 543 of the PARN protein (p.Cys543Arg). The cysteine residue is weakly conserved and there is a large physicochemical difference between cysteine and arginine. This variant is not present in population databases (ExAC no frequency). This variant has not been reported in the literature in individuals affected with PARN-related conditions. Algorithms developed to predict the effect of missense changes on protein structure and function (SIFT, PolyPhen-2, Align-GVGD) all suggest that this variant is likely to be tolerated. In summary, the available evidence is currently insufficient to determine the role of this variant in disease. Therefore, it has been classified as a Variant of Uncertain Significance.

NM_002582.4(PARN):c.1627T>C (p.Cys543Arg)

Gene: PARN (poly(A)-specific ribonuclease; minus strand). Cytogenetic location: 16p13.12.
Variant type: single nucleotide variant.
Coding change: c.1627T>C on transcript NM_002582.4 (MANE Select); coding-DNA position 1627, T replaced by C.
Protein change: p.Cys543Arg; replaces cysteine 543 with arginine.
Molecular consequence: missense variant.
Genome position (GRCh38, 1-based): chr16:14,482,681, A>G on the plus strand (T>C on the coding strand, the complement: PARN is on the minus strand). VCF-style: chr16-14482681-A-G. GRCh37 (hg19) VCF-style: chr16-14576538-A-G.
Other names: c.1444T>C, p.Cys482Arg (NM_001134477.3); c.1489T>C, p.Cys497Arg (NM_001242992.2); short protein forms C482R, C497R, C543R.
Identifiers: ClinVar variation 1440574 (VCV001440574.6), dbSNP rs2151597189, ClinGen allele CA395183386.